The following is an entry in ClinVar:

NM_003900.5(SQSTM1):c.1163dup (p.Glu389fs)

Gene: SQSTM1 (sequestosome 1; plus strand). Cytogenetic location: 5q35.3.
Variant type: Duplication.
Coding change: c.1163dup on transcript NM_003900.5 (MANE Select); coding-DNA position 1163, one base duplicated (C; older notation c.1163dupC).
Protein change: p.Glu389fs; shifts the reading frame from glutamic acid 389.
Molecular consequence: frameshift variant.
Genome position (GRCh38, 1-based): chr5:179,833,780, C duplicated; the last of 2 consecutive C bases (chr5:179,833,779-179,833,780); duplicating either gives the same sequence. VCF-style (leftmost placement, unchanged base first): chr5-179833778-G-GC. GRCh37 (hg19) VCF-style: chr5-179260778-G-GC.
Other names: c.911dup, p.Glu305fs (NM_001142298.2, NM_001142299.2); short protein forms E305fs, E389fs.
Identifiers: ClinVar variation 3756259 (VCV003756259.2).

ClinVar aggregate classification (germline): Likely pathogenic (1 of 4 stars; one submission).

Conditions:
Frontotemporal dementia and/or amyotrophic lateral sclerosis 1 (FTDALS1). Also called: Frontotemporal dementia with motor neuron disease 1; C9orf72 Frontotemporal Dementia and/or Amyotrophic Lateral Sclerosis. Identifiers: Orphanet 275872, MedGen C5779877, MONDO:0007105, OMIM 105550.
Paget disease of bone 2, early-onset (PDB2). Also called: Paget disease of bone 2. Identifiers: MedGen C4085251, MONDO:0011183, OMIM 602080.

Submission:

Labcorp Genetics (formerly Invitae), Labcorp
Classification: Likely pathogenic for Paget disease of bone 2, early-onset; Frontotemporal dementia and/or amyotrophic lateral sclerosis 1. Last evaluated: 2024-05-08. Review status: criteria provided, single submitter. Criteria: Invitae Variant Classification Sherloc (09022015). Collection method: clinical testing. Allele origin: germline.
Comment: This sequence change creates a premature translational stop signal (p.Glu389Argfs*3) in the SQSTM1 gene. While this is not anticipated to result in nonsense mediated decay, it is expected to disrupt the last 52 amino acid(s) of the SQSTM1 protein. This variant is not present in population databases (gnomAD no frequency). This variant has not been reported in the literature in individuals affected with SQSTM1-related conditions. This variant is located in a region of the SQSTM1 protein where a significant number of SQSTM1 nonsense and frameshift mutations have been reported in association with autosomal dominant SQSTM1-associated Paget disease of bone (PMID: 16813535, 14584883, 12374763, 25664955). In summary, the currently available evidence indicates that the variant is pathogenic, but additional data are needed to prove that conclusively. Therefore, this variant has been classified as Likely Pathogenic.

Literature cited by the submitters: PubMed 16813535; PubMed 14584883; PubMed 12374763; PubMed 25664955.